The following is an entry in ClinVar:

ClinVar aggregate classification (germline): Uncertain significance (1 of 4 stars; one submission).

Conditions:
TRPM4-related disorder. Also called: TRPM4-related condition; TRPM4-related disorders. Identifiers: MedGen CN239424.

Submission:

Clinical Genomics Laboratory, Stanford Medicine
Classification: Uncertain significance for TRPM4-related disorder. Last evaluated: 2023-05-25. Review status: criteria provided, single submitter. Criteria: ACMG Guidelines, 2015. Collection method: clinical testing. Allele origin: germline. Observed: 1 variant allele, 1 heterozygote.
Comment: The p.Ala55Glnfs*4 variant in the TRPM4 gene has not been previously reported in association with disease. This variant was absent from large population databases, including the Genome Aggregation Database. This variant results in a 1 bp deletion in exon 3 of 25 exons, causing a shift in the protein reading frame leading to a premature termination codon 4 amino acids downstream, and is therefore predicted to undergo nonsense-mediated decay resulting in a truncated or absent protein. Loss-of-function is not currently a definitively established mechanism of disease for the TRPM4 gene. These data were assessed using the ACMG/AMP variant interpretation guidelines. In summary, the significance of the p.Ala55Glnfs*4 variant is uncertain. Additional information is needed to resolve the significance of this variant. [ACMG evidence codes used: PVS1_Moderate; PM2]

NM_017636.4(TRPM4):c.163del (p.Ala55fs)

Gene: TRPM4 (transient receptor potential cation channel subfamily M member 4; plus strand). Cytogenetic location: 19q13.33.
Variant type: Deletion.
Coding change: c.163del on transcript NM_017636.4 (MANE Select); coding-DNA position 163, one base deleted (G; older notation c.163delG).
Protein change: p.Ala55fs; shifts the reading frame from alanine 55.
Molecular consequence: frameshift variant. On other transcripts: 5 prime UTR variant (1), intron variant (2).
Genome position (GRCh38, 1-based): chr19:49,166,111, G deleted; the last of 4 consecutive G bases (chr19:49,166,108-49,166,111); deleting any one gives the same sequence. VCF-style (leftmost placement, unchanged base first): chr19-49166107-CG-C. GRCh37 (hg19) VCF-style: chr19-49669364-CG-C.
Other names: c.163del, p.Ala55fs (NM_001195227.2, NM_001321281.2); c.-1210del (NM_001321282.2); c.-74-2149del (NM_001321283.2); c.-237-2442del (NM_001321285.2); c.163delG (NM_017636.4); short protein forms A55fs.
Identifiers: ClinVar variation 4852460 (VCV004852460.1).